The following is an entry in ClinVar:

NM_001271696.3(ABCB7):c.1366-23dup

Gene: ABCB7 (ATP binding cassette subfamily B member 7; minus strand). Cytogenetic location: Xq13.3.
Variant type: Duplication.
Coding change: c.1366-23dup on transcript NM_001271696.3 (MANE Select); 23 bases into the intron before coding-DNA position 1366, one base duplicated (T; older notation c.1366-23dupT).
Molecular consequence: intron variant.
Genome position (GRCh38, 1-based): chrX:75,069,469, A duplicated on the plus strand (T on the coding strand, the reverse complement: ABCB7 is on the minus strand); the first of 9 consecutive A bases (chrX:75,069,469-75,069,477); duplicating any one gives the same sequence. VCF-style (leftmost placement, unchanged base first): chrX-75069468-G-GA. GRCh37 (hg19) VCF-style: chrX-74289303-G-GA.
Other names: c.1288-23dup (NM_001271698.3); c.1246-23dup (NM_001271697.3); c.1249-23dup (NM_001271699.3); c.1369-23dup (NM_004299.6); c.1369-15dupT (NM_004299.3).
Identifiers: ClinVar variation 418634 (VCV000418634.6), dbSNP rs746001426, ClinGen allele CA10455397.

ClinVar aggregate classification (germline): Benign/Likely benign. Review status: criteria provided, multiple submitters, no conflicts (2 of 4 stars). 3 submissions from 3 submitters: Benign (1); Likely benign (2). Last evaluated 2025-10-28.

Submissions (3):

Labcorp Genetics (formerly Invitae), Labcorp
Classification: Benign. Last evaluated: 2025-10-28. Review status: criteria provided, single submitter. Criteria: Invitae Variant Classification Sherloc (09022015). Collection method: clinical testing. Allele origin: germline.

Blueprint Genetics
Classification: Likely benign. Last evaluated: 2024-11-07. Review status: criteria provided, single submitter. Criteria: ACMG Guidelines, 2015. Collection method: clinical testing. Allele origin: germline.

GeneDx
Classification: Likely benign. Last evaluated: 2018-01-11. Review status: criteria provided, single submitter. Criteria: GeneDx Variant Classification (06012015). Collection method: clinical testing. Allele origin: germline. Affected: yes.
Comment: This variant is considered likely benign or benign based on one or more of the following criteria: it is a conservative change, it occurs at a poorly conserved position in the protein, it is predicted to be benign by multiple in silico algorithms, and/or has population frequency not consistent with disease.